The following is an entry in ClinVar:

NM_024598.4(USB1):c.280G>A (p.Glu94Lys)

Gene: USB1 (U6 snRNA biogenesis phosphodiesterase 1; plus strand). Cytogenetic location: 16q21.
Variant type: single nucleotide variant.
Coding change: c.280G>A on transcript NM_024598.4 (MANE Select); coding-DNA position 280, G replaced by A.
Protein change: p.Glu94Lys; replaces glutamic acid 94 with lysine.
Molecular consequence: missense variant.
Genome position (GRCh38, 1-based): chr16:58,009,943, G>A. VCF-style: chr16-58009943-G-A. GRCh37 (hg19) VCF-style: chr16-58043847-G-A.
Other names: c.280G>A, p.Glu94Lys (NM_001195302.2, NM_001204911.2, NM_001330569.2); c.127G>A, p.Glu43Lys (NM_001330568.2); short protein forms E43K, E94K.
Identifiers: ClinVar variation 2115769 (VCV002115769.5), dbSNP rs1201671537, ClinGen allele CA396128980.

ClinVar aggregate classification (germline): Uncertain significance. Review status: criteria provided, multiple submitters, no conflicts (2 of 4 stars). 2 submissions from 2 submitters: Uncertain significance (2). Last evaluated 2025-06-02.

Conditions:
Inborn genetic diseases. Identifiers: MedGen C0950123, MeSH D030342.

Submissions (2):

Labcorp Genetics (formerly Invitae), Labcorp
Classification: Uncertain significance. Last evaluated: 2025-06-02. Review status: criteria provided, single submitter. Criteria: Invitae Variant Classification Sherloc (09022015). Collection method: clinical testing. Allele origin: germline.
Comment: This sequence change replaces glutamic acid, which is acidic and polar, with lysine, which is basic and polar, at codon 94 of the USB1 protein (p.Glu94Lys). This variant is not present in population databases (gnomAD no frequency). This variant has not been reported in the literature in individuals affected with USB1-related conditions. ClinVar contains an entry for this variant (Variation ID: 2115769). Invitae Evidence Modeling of protein sequence and biophysical properties (such as structural, functional, and spatial information, amino acid conservation, physicochemical variation, residue mobility, and thermodynamic stability) indicates that this missense variant is not expected to disrupt USB1 protein function with a negative predictive value of 80%. In summary, the available evidence is currently insufficient to determine the role of this variant in disease. Therefore, it has been classified as a Variant of Uncertain Significance.

Ambry Genetics
Classification: Uncertain significance for Inborn genetic diseases. Last evaluated: 2024-12-29. Review status: criteria provided, single submitter. Criteria: Ambry Variant Classification Scheme 2023. Collection method: clinical testing. Allele origin: germline.
Comment: The p.E94K variant (also known as c.280G>A), located in coding exon 3 of the USB1 gene, results from a G to A substitution at nucleotide position 280. The glutamic acid at codon 94 is replaced by lysine, an amino acid with similar properties. This amino acid position is conserved. In addition, this alteration is predicted to be tolerated by in silico analysis. Based on the available evidence, the clinical significance of this variant remains unclear.